The following is an entry in ClinVar:

ClinVar aggregate classification (germline): Pathogenic. Review status: reviewed by expert panel (3 of 4 stars). 2 submissions from 2 submitters: Pathogenic (1). 1 of the submissions does not count toward it. Last evaluated 2020-10-15.

Conditions:
Phenylketonuria (PKU). Also called: OLIGOPHRENIA PHENYLPYRUVICA; Phenylketonuria (PKU); Phenylketonurias; FOLLING DISEASE. Identifiers: Orphanet 716, MedGen C0031485, MONDO:0009861, OMIM 261600. Disease mechanism: loss of function.

Submissions (2):

ClinGen PAH Variant Curation Expert Panel
Classification: Pathogenic for Phenylketonuria. Last evaluated: 2020-10-15. Review status: reviewed by expert panel. Criteria: ClinGen PAH ACMG Specifications v1. Collection method: curation. Allele origin: germline. Inheritance: Autosomal recessive inheritance.
Comment: This c.804C>A (p.Tyr268Ter) variant in PAH was observed in a patient with classical PKU detected with pathogenic variant p.Arg243Gln (PMID: 28982351). This variant is absent from controls in population databases. This is a nonsense variant in exon 7 out of 13 coding exons. The variant is predicted to undergo nonsense mediated mRNA decay (NMD). In summary, this variant meets criteria to be classified as pathogenic for PAH. PAH-specific ACMG/AMP criteria applied: PVS1, PM3, PM2, and PP4.

Neuberg Centre For Genomic Medicine, NCGM
Classification: Pathogenic for Phenylketonuria. Review status: criteria provided, single submitter. Criteria: ACMG Guidelines, 2015. Collection method: clinical testing. Allele origin: germline. Affected: yes. Not counted in ClinVar's aggregate classification.
Comment: The stop gained p.Y268* in PAH (NM_000277.3) has been classified as Pathogenic by the ClinGen expert curation panel. The p.Y268* variant is novel (not in any individuals) in gnomAD Exomes and is novel (not in any individuals) in 1000 Genomes. This variant is predicted to cause loss of normal protein function. For these reasons, this variant has been classified as Pathogenic.

Literature cited by the submitters: PubMed 28982351 (cited by ClinGen PAH Variant Curation Expert Panel).

NM_000277.3(PAH):c.804C>A (p.Tyr268Ter)

Gene: PAH (phenylalanine hydroxylase; minus strand). Cytogenetic location: 12q23.2.
Variant type: single nucleotide variant.
Coding change: c.804C>A on transcript NM_000277.3 (MANE Select); coding-DNA position 804, C replaced by A.
Protein change: p.Tyr268Ter; replaces tyrosine 268 with a stop codon.
Molecular consequence: nonsense.
Genome position (GRCh38, 1-based): chr12:102,852,853, G>T on the plus strand (C>A on the coding strand, the complement: PAH is on the minus strand). VCF-style: chr12-102852853-G-T. GRCh37 (hg19) VCF-style: chr12-103246631-G-T.
Other names: c.804C>A, p.Tyr268Ter (NM_001354304.2); short protein forms Y268*.
Identifiers: ClinVar variation 987781 (VCV000987781.3), dbSNP rs748337823, ClinGen allele CA386295265.
Genomic context (GRCh38, chr12:102,852,853, plus strand): 5'-GTAGCTGGAGGACAGTACTCACGGTTCGGGGGTATACATGGGCTTGGATCCATGTCTGAT[G>T]TACTGTGTGCAGTGGAAGACTCGGAAGGCCAGGCCACCCAAGAAATCCCGAGAGGAAAGC-3'